The following is an entry in ClinVar:

ClinVar aggregate classification (germline): Uncertain significance. Review status: criteria provided, multiple submitters, no conflicts (2 of 4 stars). 3 submissions from 3 submitters: Uncertain significance (3). Last evaluated 2025-11-13.

Conditions:
Epiphyseal dysplasia, multiple, 2 (EDM2). Also called: COL9A2-Related Multiple Epiphyseal Dysplasia. Identifiers: MedGen C1838429, MONDO:0010844, OMIM 600204.

Allele frequency attached by ClinVar (database versions not stated): gnomAD exomes 0.00002; gnomAD 0.00003 and 0.00004; TOPMed 0.00003.
gnomAD v4.1: 93 of 1,552,360 alleles (0.006%); highest among the groups gnomAD compares: Non-Finnish European, 0.0078%; no homozygotes.

Submissions (3):

Labcorp Genetics (formerly Invitae), Labcorp
Classification: Uncertain significance. Last evaluated: 2025-11-13. Review status: criteria provided, single submitter. Criteria: Invitae Variant Classification Sherloc (09022015). Collection method: clinical testing. Allele origin: germline.
Comment: This sequence change replaces glycine, which is neutral and non-polar, with arginine, which is basic and polar, at codon 48 of the COL9A2 protein (p.Gly48Arg). This variant is present in population databases (no rsID available, gnomAD 0.005%). This variant has not been reported in the literature in individuals affected with COL9A2-related conditions. ClinVar contains an entry for this variant (Variation ID: 876391). Experimental studies and prediction algorithms are not available or were not evaluated, and the functional significance of this variant is currently unknown. In summary, the available evidence is currently insufficient to determine the role of this variant in disease. Therefore, it has been classified as a Variant of Uncertain Significance.

GeneDx
Classification: Uncertain significance. Last evaluated: 2023-07-10. Review status: criteria provided, single submitter. Criteria: GeneDx Variant Classification Process June 2021. Collection method: clinical testing. Allele origin: germline. Affected: yes.
Comment: Has not been previously published as pathogenic or benign to our knowledge; Not observed at significant frequency in large population cohorts (gnomAD); In silico analysis supports that this missense variant has a deleterious effect on protein structure/function

Illumina Laboratory Services, Illumina
Classification: Uncertain significance for Epiphyseal dysplasia, multiple, 2. Last evaluated: 2018-03-23. Review status: criteria provided, single submitter. Criteria: ICSL Variant Classification Criteria 13 December 2019. Collection method: clinical testing. Allele origin: germline.

NM_001852.4(COL9A2):c.142G>C (p.Gly48Arg)

Gene: COL9A2 (collagen type IX alpha 2 chain; minus strand). Cytogenetic location: 1p34.2.
Variant type: single nucleotide variant.
Coding change: c.142G>C on transcript NM_001852.4 (MANE Select); coding-DNA position 142, G replaced by C.
Protein change: p.Gly48Arg; replaces glycine 48 with arginine.
Molecular consequence: missense variant.
Genome position (GRCh38, 1-based): chr1:40,315,598, C>G on the plus strand (G>C on the coding strand, the complement: COL9A2 is on the minus strand). VCF-style: chr1-40315598-C-G. GRCh37 (hg19) VCF-style: chr1-40781270-C-G.
Other names: short protein forms G48R.
Identifiers: ClinVar variation 876391 (VCV000876391.10), dbSNP rs887364532, ClinGen allele CA21042439.